The following is an entry in ClinVar:

NM_001292063.2(OTOG):c.1572T>C (p.Cys524=)

Gene: OTOG (otogelin; plus strand). Cytogenetic location: 11p15.1.
Variant type: single nucleotide variant.
Coding change: c.1572T>C on transcript NM_001292063.2 (MANE Select); coding-DNA position 1572, T replaced by C.
Protein change: p.Cys524=; no amino-acid change (cysteine 524 retained).
Molecular consequence: synonymous variant.
Genome position (GRCh38, 1-based): chr11:17,561,735, T>C. VCF-style: chr11-17561735-T-C. GRCh37 (hg19) VCF-style: chr11-17583282-T-C.
Other names: c.1608T>C, p.Cys536= (NM_001277269.2).
Identifiers: ClinVar variation 512844 (VCV000512844.1), dbSNP rs1257902336, ClinGen allele CA473309689.
Genomic context (GRCh38, chr11:17,561,735, plus strand): 5'-GACTGGTGACATTCACTTCACAACCTTTGATGGCCGCCGGTACACGTTCCCCGCCACATG[T>C]CAGTACATCCTGGCCAAGAGCCGCTCTTCGGGCACCTTCACCGTGACATTGCAGAATGCC-3'
Protein context (NP_001278992.1, residues 514-534): DGRRYTFPAT[Cys524=]QYILAKSRSS

ClinVar aggregate classification (germline): Likely benign (1 of 4 stars; one submission).

Allele frequency attached by ClinVar (database versions not stated): gnomAD exomes below 0.00001; TOPMed 0.00001.
gnomAD v4.1: 2 of 1,550,498 alleles (0.00013%); highest among the groups gnomAD compares: Non-Finnish European, 0.00017%; no homozygotes.

Submission:

GeneDx
Classification: Likely benign. Last evaluated: 2017-11-06. Review status: criteria provided, single submitter. Criteria: GeneDx Variant Classification (06012015). Collection method: clinical testing. Allele origin: germline. Affected: yes.
Comment: This variant is considered likely benign or benign based on one or more of the following criteria: it is a conservative change, it occurs at a poorly conserved position in the protein, it is predicted to be benign by multiple in silico algorithms, and/or has population frequency not consistent with disease.